The following is an entry in ClinVar:

ClinVar aggregate classification (germline): Uncertain significance. Review status: criteria provided, multiple submitters, no conflicts (2 of 4 stars). 2 submissions from 2 submitters: Uncertain significance (2). Last evaluated 2023-03-01.

Conditions:
Hereditary cancer-predisposing syndrome. Also called: Hereditary Cancer Syndrome; Neoplastic Syndromes, Hereditary; Tumor predisposition; Hereditary neoplastic syndrome. Identifiers: Orphanet 140162, MedGen C0027672, MeSH D009386, MONDO:0015356.
Oligodontia-cancer predisposition syndrome. Also called: TOOTH AGENESIS-COLORECTAL CANCER SYNDROME. Identifiers: Orphanet 300576, MedGen C1837750, MONDO:0012075, OMIM 608615. Disease mechanism: loss of function.

Submissions (2):

Labcorp Genetics (formerly Invitae), Labcorp
Classification: Uncertain significance for Oligodontia-cancer predisposition syndrome. Last evaluated: 2023-03-01. Review status: criteria provided, single submitter. Criteria: Invitae Variant Classification Sherloc (09022015). Collection method: clinical testing. Allele origin: germline.
Comment: This sequence change replaces valine, which is neutral and non-polar, with leucine, which is neutral and non-polar, at codon 181 of the AXIN2 protein (p.Val181Leu). In summary, the available evidence is currently insufficient to determine the role of this variant in disease. Therefore, it has been classified as a Variant of Uncertain Significance. Advanced modeling of protein sequence and biophysical properties (such as structural, functional, and spatial information, amino acid conservation, physicochemical variation, residue mobility, and thermodynamic stability) performed at Invitae indicates that this missense variant is not expected to disrupt AXIN2 protein function. ClinVar contains an entry for this variant (Variation ID: 1747438). This variant has not been reported in the literature in individuals affected with AXIN2-related conditions. This variant is not present in population databases (gnomAD no frequency).

Ambry Genetics
Classification: Uncertain significance for Hereditary cancer-predisposing syndrome. Last evaluated: 2022-01-11. Review status: criteria provided, single submitter. Criteria: Ambry Variant Classification Scheme 2023. Collection method: clinical testing. Allele origin: germline.
Comment: The p.V181L variant (also known as c.541G>T), located in coding exon 1 of the AXIN2 gene, results from a G to T substitution at nucleotide position 541. The valine at codon 181 is replaced by leucine, an amino acid with highly similar properties. This amino acid position is conserved. In addition, this alteration is predicted to be tolerated by in silico analysis. Since supporting evidence is limited at this time, the clinical significance of this alteration remains unclear.

NM_004655.4(AXIN2):c.541G>T (p.Val181Leu)

Gene: AXIN2 (axin 2; minus strand). Cytogenetic location: 17q24.1.
Variant type: single nucleotide variant.
Coding change: c.541G>T on transcript NM_004655.4 (MANE Select); coding-DNA position 541, G replaced by T.
Protein change: p.Val181Leu; replaces valine 181 with leucine.
Molecular consequence: missense variant.
Genome position (GRCh38, 1-based): chr17:65,558,080, C>A on the plus strand (G>T on the coding strand, the complement: AXIN2 is on the minus strand). VCF-style: chr17-65558080-C-A. GRCh37 (hg19) VCF-style: chr17-63554198-C-A.
Other names: c.541G>T, p.Val181Leu (NM_001363813.1); short protein forms V181L.
Identifiers: ClinVar variation 1747438 (VCV001747438.5), dbSNP rs1348898769, ClinGen allele CA400680965.